The following is an entry in ClinVar:

ClinVar aggregate classification (germline): Likely benign. Review status: criteria provided, multiple submitters, no conflicts (2 of 4 stars). 3 submissions from 3 submitters: Likely benign (3). Last evaluated 2025-09-29.

Allele frequency attached by ClinVar (database versions not stated): gnomAD exomes 0.00002 and 0.00012; gnomAD 0.00006; TOPMed 0.00007; ExAC 0.00010.
gnomAD v4.1: 55 of 1,614,016 alleles (0.0034%); highest among the groups gnomAD compares: East Asian, 0.078%; 1 homozygote.

Submissions (3):

Labcorp Genetics (formerly Invitae), Labcorp
Classification: Likely benign. Last evaluated: 2025-09-29. Review status: criteria provided, single submitter. Criteria: Invitae Variant Classification Sherloc (09022015). Collection method: clinical testing. Allele origin: germline.

Blueprint Genetics
Classification: Likely benign. Last evaluated: 2024-09-18. Review status: criteria provided, single submitter. Criteria: ACMG Guidelines, 2015. Collection method: clinical testing. Allele origin: germline.

CeGaT Center for Human Genetics Tuebingen
Classification: Likely benign. Last evaluated: 2023-04-01. Review status: criteria provided, single submitter. Criteria: CeGaT Center For Human Genetics Tuebingen Variant Classification Criteria Version 2. Collection method: clinical testing. Allele origin: germline. Affected: yes. Observed: 1 variant allele.
Comment: TUBGCP6: BP4, BP7

NM_020461.4(TUBGCP6):c.1062A>G (p.Lys354=)

Gene: TUBGCP6 (tubulin gamma complex component 6; minus strand). Cytogenetic location: 22q13.33.
Variant type: single nucleotide variant.
Coding change: c.1062A>G on transcript NM_020461.4 (MANE Select); coding-DNA position 1062, A replaced by G.
Protein change: p.Lys354=; no amino-acid change (lysine 354 retained).
Molecular consequence: synonymous variant.
Genome position (GRCh38, 1-based): chr22:50,233,370, T>C on the plus strand (A>G on the coding strand, the complement: TUBGCP6 is on the minus strand). VCF-style: chr22-50233370-T-C. GRCh37 (hg19) VCF-style: chr22-50671799-T-C.
Identifiers: ClinVar variation 782933 (VCV000782933.34), dbSNP rs372578405, ClinGen allele CA10308846.